The following is an entry in ClinVar:

NM_001040142.2(SCN2A):c.5885A>T (p.Lys1962Ile)

Gene: SCN2A (sodium voltage-gated channel alpha subunit 2; plus strand). Cytogenetic location: 2q24.3.
Variant type: single nucleotide variant.
Coding change: c.5885A>T on transcript NM_001040142.2 (MANE Select); coding-DNA position 5885, A replaced by T.
Protein change: p.Lys1962Ile; replaces lysine 1962 with isoleucine.
Molecular consequence: missense variant.
Genome position (GRCh38, 1-based): chr2:165,389,691, A>T. VCF-style: chr2-165389691-A-T. GRCh37 (hg19) VCF-style: chr2-166246201-A-T.
Other names: c.5885A>T, p.Lys1962Ile (NM_001040143.2, NM_001371246.1, NM_001371247.1 and 1 more transcripts); short protein forms K1962I.
Identifiers: ClinVar variation 5002844 (VCV005002844.1).
Genomic context (GRCh38, chr2:165,389,691, plus strand): 5'-GAACACCCATCAAAGAAGATACTCTCATTGATAAACTGAATGAGAATTCAACTCCAGAGA[A>T]AACCGATATGACGCCTTCCACCACGTCTCCACCCTCGTATGATAGTGTGACCAAACCAGA-3'
Protein context (NP_001035232.1, residues 1952-1972): DKLNENSTPE[Lys1962Ile]TDMTPSTTSP

ClinVar aggregate classification (germline): Uncertain significance (1 of 4 stars; one submission).

Conditions:
Episodic ataxia, type 9. Identifiers: MedGen C5394520, MONDO:0030064, OMIM 618924.

gnomAD v4.1: 1 of 1,613,978 alleles (0.000062%); highest among the groups gnomAD compares: East Asian, 0.0022%; no homozygotes.

Submission:

OLLIN Analises Genomicas, OLLIN
Classification: Uncertain significance for Episodic ataxia, type 9. Last evaluated: 2026-08-06. Review status: criteria provided, single submitter. Criteria: ACMG Guidelines 2015 PMID 25741868. Collection method: clinical testing. Allele origin: germline. Inheritance: Autosomal dominant inheritance.
Comment: This missense variant, located in exon 27 (of 27), has been observed in gnomAD with an allele frequency of 0.000062%, but has not been reported in ClinVar or identified in the literature. In silico analysis predicts that this variant has a deleterious effect. According to the currently available evidence, this variant has been classified as uncertain significance (PM2_P, PP3, BS2).